The following is an entry in ClinVar:

NM_022489.4(INF2):c.3583G>C (p.Glu1195Gln)

Gene: INF2 (inverted formin 2; plus strand). Cytogenetic location: 14q32.33.
Variant type: single nucleotide variant.
Coding change: c.3583G>C on transcript NM_022489.4 (MANE Select); coding-DNA position 3583, G replaced by C.
Protein change: p.Glu1195Gln; replaces glutamic acid 1195 with glutamine.
Molecular consequence: missense variant.
Genome position (GRCh38, 1-based): chr14:104,714,745, G>C. VCF-style: chr14-104714745-G-C. GRCh37 (hg19) VCF-style: chr14-105181082-G-C.
Other names: c.3583G>C, p.Glu1195Gln (NM_001031714.4); short protein forms E1195Q.
Identifiers: ClinVar variation 424455 (VCV000424455.5), dbSNP rs1064796974, ClinGen allele CA16619830.

ClinVar aggregate classification (germline): Uncertain significance. Review status: criteria provided, multiple submitters, no conflicts (2 of 4 stars). 2 submissions from 2 submitters: Uncertain significance (2). Last evaluated 2023-05-16.

Conditions:
Focal segmental glomerulosclerosis 5 (FSGS5). Identifiers: Orphanet 656, MedGen C2750475, MONDO:0013191, OMIM 613237.
Charcot-Marie-Tooth disease dominant intermediate E. Also called: CHARCOT-MARIE-TOOTH NEUROPATHY WITH FOCAL SEGMENTAL GLOMERULONEPHRITIS. Identifiers: Orphanet 93114, MedGen C4302667, MONDO:0013758, OMIM 614455.

gnomAD v4.1: 4 of 1,601,346 alleles (0.00025%); highest among the groups gnomAD compares: Non-Finnish European, 0.00026%; no homozygotes.

Submissions (2):

Labcorp Genetics (formerly Invitae), Labcorp
Classification: Uncertain significance for Charcot-Marie-Tooth disease dominant intermediate E; Focal segmental glomerulosclerosis 5. Last evaluated: 2023-05-16. Review status: criteria provided, single submitter. Criteria: Invitae Variant Classification Sherloc (09022015). Collection method: clinical testing. Allele origin: germline.
Comment: In summary, the available evidence is currently insufficient to determine the role of this variant in disease. Therefore, it has been classified as a Variant of Uncertain Significance. Advanced modeling of protein sequence and biophysical properties (such as structural, functional, and spatial information, amino acid conservation, physicochemical variation, residue mobility, and thermodynamic stability) performed at Invitae indicates that this missense variant is not expected to disrupt INF2 protein function. ClinVar contains an entry for this variant (Variation ID: 424455). This variant has not been reported in the literature in individuals affected with INF2-related conditions. This variant is present in population databases (no rsID available, gnomAD 0.001%). This sequence change replaces glutamic acid, which is acidic and polar, with glutamine, which is neutral and polar, at codon 1195 of the INF2 protein (p.Glu1195Gln).

GeneDx
Classification: Uncertain significance. Last evaluated: 2017-03-23. Review status: criteria provided, single submitter. Criteria: GeneDx Variant Classification (06012015). Collection method: clinical testing. Allele origin: germline. Affected: yes.
Comment: A variant of uncertain significance has been identified in the INF2 gene. The E1195Q variant has not been published as a pathogenic variant, nor has it been reported as a benign variant to our knowledge. The E1195Q variant is not observed in large population cohorts (Lek et al., 2016; 1000 Genomes Consortium et al., 2015; Exome Variant Server). The E1195Q variant is a semi-conservative amino acid substitution, which may impact secondary protein structure as these residues differ in some properties. This substitution occurs at a position that is conserved across species. However, in silico analysis is inconsistent in its predictions as to whether or not the variant is damaging to the protein structure/function. Therefore, based on the currently available information, it is unclear whether this variant is a pathogenic variant or a rare benign variant.